The following is an entry in ClinVar:

ClinVar aggregate classification (germline): Uncertain significance (1 of 4 stars; one submission).

Conditions:
Cardiovascular phenotype. Identifiers: MedGen CN230736.

Submission:

Ambry Genetics
Classification: Uncertain significance for Cardiovascular phenotype. Last evaluated: 2023-12-21. Review status: criteria provided, single submitter. Criteria: Ambry Variant Classification Scheme 2023. Collection method: clinical testing. Allele origin: germline.
Comment: The p.Y423D variant (also known as c.1267T>G), located in coding exon 8 of the TBX1 gene, results from a T to G substitution at nucleotide position 1267. The tyrosine at codon 423 is replaced by aspartic acid, an amino acid with highly dissimilar properties. This amino acid position is conserved. In addition, the in silico prediction for this alteration is inconclusive. Since supporting evidence is limited at this time, the clinical significance of this alteration remains unclear.

NM_001379200.1(TBX1):c.1294T>G (p.Tyr432Asp)

Gene: TBX1 (T-box transcription factor 1; plus strand). Cytogenetic location: 22q11.21.
Variant type: single nucleotide variant.
Coding change: c.1294T>G on transcript NM_001379200.1 (MANE Select); coding-DNA position 1294, T replaced by G.
Protein change: p.Tyr432Asp; replaces tyrosine 432 with aspartic acid.
Molecular consequence: missense variant. On other transcripts: intron variant (2).
Genome position (GRCh38, 1-based): chr22:19,766,646, T>G. VCF-style: chr22-19766646-T-G. GRCh37 (hg19) VCF-style: chr22-19754169-T-G.
Other names: c.1267T>G, p.Tyr423Asp (NM_080647.1); c.1009+644T>G (NM_005992.1, NM_080646.2); short protein forms Y423D, Y432D.
Identifiers: ClinVar variation 3228964 (VCV003228964.1), dbSNP rs2517858728, ClinGen allele CA410684870.